The following is an entry in ClinVar:

NM_000186.4(CFH):c.1337-46G>T

Gene: CFH (complement factor H; plus strand). Cytogenetic location: 1q31.3.
Variant type: single nucleotide variant.
Coding change: c.1337-46G>T on transcript NM_000186.4 (MANE Select); 46 bases into the intron before coding-DNA position 1337, G replaced by T.
Molecular consequence: intron variant.
Genome position (GRCh38, 1-based): chr1:196,713,689, G>T. VCF-style: chr1-196713689-G-T. GRCh37 (hg19) VCF-style: chr1-196682819-G-T.
Identifiers: ClinVar variation 4291387 (VCV004291387.2).

ClinVar aggregate classification (germline): Likely benign (1 of 4 stars; one submission).

Conditions:
Age related macular degeneration 4. Identifiers: MedGen C1853147, MONDO:0012540, OMIM 610698.

Submission:

Genomenon, Inc
Classification: Likely benign for Age related macular degeneration 4. Last evaluated: 2026-09-17. Review status: criteria provided, single submitter. Criteria: Genomenon Sequence Variant Interpretation Standards - Updated. Collection method: curation. Allele origin: germline. Affected: yes.
Comment: CFH c.1337-46G>T is an intronic variant located in intron 9. This variant has been observed in at least one proband affected with age-related macular degeneration (PMID: 18421087). It is absent or not present at a significant frequency in gnomAD. This variant is not predicted to impact splicing. In conclusion, we classify CFH c.1337-46G>T as a likely benign variant.

Literature cited by the submitters: PubMed 18421087.